The following is an entry in ClinVar:

NM_206933.4(USH2A):c.6528T>C (p.Tyr2176=)

Gene: USH2A (usherin; minus strand). Cytogenetic location: 1q41.
Variant type: single nucleotide variant.
Coding change: c.6528T>C on transcript NM_206933.4 (MANE Select); coding-DNA position 6528, T replaced by C.
Protein change: p.Tyr2176=; no amino-acid change (tyrosine 2176 retained).
Molecular consequence: synonymous variant.
Genome position (GRCh38, 1-based): chr1:215,999,016, A>G on the plus strand (T>C on the coding strand, the complement: USH2A is on the minus strand). VCF-style: chr1-215999016-A-G. GRCh37 (hg19) VCF-style: chr1-216172358-A-G.
Identifiers: ClinVar variation 764819 (VCV000764819.14), dbSNP rs560847831, ClinGen allele CA1395112.

ClinVar aggregate classification (germline): Benign/Likely benign. Review status: criteria provided, multiple submitters, no conflicts (2 of 4 stars). 4 submissions from 4 submitters: Benign (1); Likely benign (2). 1 of the submissions does not count toward it. Last evaluated 2026-01-27.

Conditions:
Usher syndrome type 2A. Also called: RETINAL DISEASE IN USHER SYNDROME TYPE IIA, MODIFIER OF; USHER SYNDROME, TYPE IIA. Identifiers: Orphanet 231178, Orphanet 886, MedGen C1848634, MONDO:0010169, OMIM 276901.
USH2A-related disorder. Also called: USH2A-related condition; USH2A-related disorders. Identifiers: MedGen CN239332.

Allele frequency attached by ClinVar (database versions not stated): 1000 Genomes Project 30x 0.00016; 1000 Genomes Project 0.00020; gnomAD exomes 0.00043; ExAC 0.00050; gnomAD below 0.00001 and 0.00010; TOPMed 0.00004.
gnomAD v4.1: 304 of 1,612,580 alleles (0.019%); highest among the groups gnomAD compares: South Asian, 0.31%; 1 homozygote.

Submissions (4):

Labcorp Genetics (formerly Invitae), Labcorp
Classification: Benign. Last evaluated: 2026-01-27. Review status: criteria provided, single submitter. Criteria: Invitae Variant Classification Sherloc (09022015). Collection method: clinical testing. Allele origin: germline.

PreventionGenetics, part of Exact Sciences
Classification: Likely benign for USH2A-related condition. Last evaluated: 2025-08-02. Review status: criteria provided, single submitter. Criteria: ACMG Guidelines, 2015. Collection method: clinical testing. Allele origin: germline.
Comment: This variant is classified as likely benign based on ACMG/AMP sequence variant interpretation guidelines (Richards et al. 2015 PMID: 25741868, with internal and published modifications).

Blueprint Genetics
Classification: Likely benign. Last evaluated: 2023-07-10. Review status: criteria provided, single submitter. Criteria: ACMG Guidelines, 2015. Collection method: clinical testing. Allele origin: germline.

Natera, Inc.
Classification: Likely benign for Usher syndrome type 2A. Last evaluated: 2020-01-19. Review status: no assertion criteria provided. Collection method: clinical testing. Allele origin: germline. Not counted in ClinVar's aggregate classification.